The following is an entry in ClinVar:

ClinVar aggregate classification (germline): Likely pathogenic (1 of 4 stars; one submission).

Conditions:
Duchenne muscular dystrophy (DMD). Also called: MUSCULAR DYSTROPHY, PSEUDOHYPERTROPHIC PROGRESSIVE, DUCHENNE TYPE; Duchenne Muscular Dystrophy (DMD). Identifiers: Orphanet 98896, MedGen C0013264, MONDO:0010679, OMIM 310200.

Submission:

Labcorp Genetics (formerly Invitae), Labcorp
Classification: Likely pathogenic for Duchenne muscular dystrophy. Last evaluated: 2022-01-31. Review status: criteria provided, single submitter. Criteria: Invitae Variant Classification Sherloc (09022015). Collection method: clinical testing. Allele origin: germline.
Comment: In summary, the currently available evidence indicates that the variant is pathogenic, but additional data are needed to prove that conclusively. Therefore, this variant has been classified as Likely Pathogenic. This variant has been observed in individual(s) with Duchenne muscular dystrophy (Invitae). This variant is not present in population databases (gnomAD no frequency). This variant results in the deletion of part of exon 55 (c.8028-501_8078del) of the DMD gene. It is expected to disrupt RNA splicing. Variants that disrupt the donor or acceptor splice site typically lead to a loss of protein function (PMID: 16199547), and loss-of-function variants in DMD are known to be pathogenic (PMID: 16770791, 25007885).

Literature cited by the submitters: PubMed 16199547; PubMed 16770791; PubMed 25007885.

NM_004006.3(DMD):c.8028-501_8078del

Gene: DMD (dystrophin; minus strand). Cytogenetic location: Xp21.1.
Variant type: Deletion.
Coding change: c.8028-501_8078del on transcript NM_004006.3 (MANE Select); 501 bases into the intron before coding-DNA position 8028 through coding-DNA position 8078, 552 bases deleted.
Molecular consequence: splice acceptor variant.
Genome position (GRCh38, 1-based): chrX:31,627,812-31,628,363, 552 bases deleted. GRCh37 (hg19): chrX:31,645,929-31,646,480.
Other names: c.8004-501_8054del (NM_000109.4); c.4005-501_4055del (NM_004011.4); c.3996-501_4046del (NM_004012.4); c.648-501_698del (NM_004023.3, NM_004020.4, NM_004022.3 and 2 more transcripts); c.8016-501_8066del (NM_004009.3); c.7659-501_7709del (NM_004010.3).
Identifiers: ClinVar variation 2091293 (VCV002091293.4), dbSNP rs2528280263, ClinGen allele CA2580100596.